The following is an entry in ClinVar:

NM_000204.5(CFI):c.129C>T (p.Cys43=)

Gene: CFI (complement factor I; minus strand). Cytogenetic location: 4q25.
Variant type: single nucleotide variant.
Coding change: c.129C>T on transcript NM_000204.5 (MANE Select); coding-DNA position 129, C replaced by T.
Protein change: p.Cys43=; no amino-acid change (cysteine 43 retained).
Molecular consequence: synonymous variant. On other transcripts: non-coding transcript variant (3), intron variant (1).
Genome position (GRCh38, 1-based): chr4:109,766,753, G>A on the plus strand (C>T on the coding strand, the complement: CFI is on the minus strand). VCF-style: chr4-109766753-G-A. GRCh37 (hg19) VCF-style: chr4-110687909-G-A.
Other names: c.129C>T, p.Cys43= (NM_001318057.2, NM_001331035.2, NM_001375278.1 and 5 more transcripts); c.-127-5061C>T (NM_001375284.1).
Identifiers: ClinVar variation 347176 (VCV000347176.13), dbSNP rs146462954, ClinGen allele CA3042344.
Genomic context (GRCh38, chr4:109,766,753, plus strand): 5'-TAGTTTACAAACACAGGTGCCCTCAATGCATCTCTGCCATGGCTGGCAGAAGACTTTATC[G>A]CAGGAGAGGTGAGTATATTTTTTTGCTAAGCACTTTTTCTCCACCAGATCCTCTTGAGAT-3'
Protein context (NP_000195.3, residues 33-53): CLAKKYTHLS[Cys43=]DKVFCQPWQR

ClinVar aggregate classification (germline): Likely benign. Review status: criteria provided, multiple submitters, no conflicts (2 of 4 stars). 3 submissions from 3 submitters: Likely benign (3). Last evaluated 2025-12-21.

Conditions:
Atypical hemolytic-uremic syndrome with I factor anomaly. Also called: HEMOLYTIC UREMIC SYNDROME, ATYPICAL, SUSCEPTIBILITY TO, 3; AHUS, SUSCEPTIBILITY TO, 3. Identifiers: Orphanet 2134, MedGen C2752039, MONDO:0013041, OMIM 612923.

Allele frequency attached by ClinVar (database versions not stated): ExAC 0.00002; gnomAD exomes 0.00005; TOPMed 0.00005; gnomAD 0.00006; ESP Exome Variant Server 0.00008.
gnomAD v4.1: 69 of 1,614,014 alleles (0.0043%); highest among the groups gnomAD compares: Admixed American, 0.0067%; no homozygotes.

Submissions (3):

Labcorp Genetics (formerly Invitae), Labcorp
Classification: Likely benign. Last evaluated: 2025-12-21. Review status: criteria provided, single submitter. Criteria: Invitae Variant Classification Sherloc (09022015). Collection method: clinical testing. Allele origin: germline.

Blueprint Genetics
Classification: Likely benign. Last evaluated: 2024-08-23. Review status: criteria provided, single submitter. Criteria: ACMG Guidelines, 2015. Collection method: clinical testing. Allele origin: germline.

Illumina Laboratory Services, Illumina
Classification: Likely benign for Atypical hemolytic-uremic syndrome with I factor anomaly. Last evaluated: 2018-01-13. Review status: criteria provided, single submitter. Criteria: ICSL Variant Classification Criteria 13 December 2019. Collection method: clinical testing. Allele origin: germline.
Comment: This variant was observed in the ICSL laboratory as part of a predisposition screen in an ostensibly healthy population. It had not been previously curated by ICSL or reported in the Human Gene Mutation Database (HGMD: prior to June 1st, 2018), and was therefore a candidate for classification through an automated scoring system. Utilizing variant allele frequency, disease prevalence and penetrance estimates, and inheritance mode, an automated score was calculated to assess if this variant is too frequent to cause the disease. Based on the score and internal cut-off values, a variant classified as likely benign is not then subjected to further curation. The score for this variant resulted in a classification of likely benign for this disease.